The following is an entry in ClinVar:

NM_006307.5(SRPX):c.938C>T (p.Thr313Met)

Gene: SRPX (sushi repeat containing protein X-linked; minus strand). Cytogenetic location: Xp11.4.
Variant type: single nucleotide variant.
Coding change: c.938C>T on transcript NM_006307.5 (MANE Select); coding-DNA position 938, C replaced by T.
Protein change: p.Thr313Met; replaces threonine 313 with methionine.
Molecular consequence: missense variant.
Genome position (GRCh38, 1-based): chrX:38,160,034, G>A on the plus strand (C>T on the coding strand, the complement: SRPX is on the minus strand). VCF-style: chrX-38160034-G-A. GRCh37 (hg19) VCF-style: chrX-38019287-G-A.
Other names: c.878C>T, p.Thr293Met (NM_001170750.2); c.761C>T, p.Thr254Met (NM_001170751.2); c.938C>T, p.Thr313Met (NM_001170752.2); c.938C>T (NM_006307.4); short protein forms T254M, T293M, T313M.
Identifiers: ClinVar variation 2660289 (VCV002660289.26), dbSNP rs750284952, ClinGen allele CA10384763.

ClinVar aggregate classification (germline): Conflicting classifications of pathogenicity. Review status: criteria provided, conflicting classifications (1 of 4 stars). 2 submissions from 2 submitters: Uncertain significance (1); Likely benign (1). Last evaluated 2025-08-03.

Allele frequency attached by ClinVar (database versions not stated): TOPMed 0.00005; gnomAD exomes 0.00011; gnomAD 0.00014; ExAC 0.00023; 1000 Genomes Project 0.00026; 1000 Genomes Project 30x 0.00042.

Submissions (2):

Ambry Genetics
Classification: Uncertain significance. Last evaluated: 2025-08-03. Review status: criteria provided, single submitter. Criteria: Ambry Variant Classification Scheme 2023. Collection method: clinical testing. Allele origin: germline.

CeGaT Center for Human Genetics Tuebingen
Classification: Likely benign. Last evaluated: 2023-02-01. Review status: criteria provided, single submitter. Criteria: CeGaT Center For Human Genetics Tuebingen Variant Classification Criteria Version 2. Collection method: clinical testing. Allele origin: germline. Affected: yes. Observed: 1 variant allele.
Comment: SRPX: BP4, BS2